The following is an entry in ClinVar:

ClinVar aggregate classification (germline): Likely benign (1 of 4 stars; one submission).

Submission:

CeGaT Center for Human Genetics Tuebingen
Classification: Likely benign. Last evaluated: 2022-10-01. Review status: criteria provided, single submitter. Criteria: CeGaT Center For Human Genetics Tuebingen Variant Classification Criteria Version 2. Collection method: clinical testing. Allele origin: germline. Affected: yes. Observed: 1 variant allele.
Comment: DDHD1: PM2:Supporting, BP4, BP7

NM_001160148.2(DDHD1):c.381G>A (p.Pro127=)

Gene: DDHD1 (DDHD domain containing 1; minus strand). Cytogenetic location: 14q22.1.
Variant type: single nucleotide variant.
Coding change: c.381G>A on transcript NM_001160148.2 (MANE Select); coding-DNA position 381, G replaced by A.
Protein change: p.Pro127=; no amino-acid change (proline 127 retained).
Molecular consequence: synonymous variant.
Genome position (GRCh38, 1-based): chr14:53,152,718, C>T on the plus strand (G>A on the coding strand, the complement: DDHD1 is on the minus strand). VCF-style: chr14-53152718-C-T. GRCh37 (hg19) VCF-style: chr14-53619436-C-T.
Other names: c.381G>A, p.Pro127= (NM_001160147.2, NM_030637.3).
Identifiers: ClinVar variation 2644246 (VCV002644246.24), dbSNP rs776947891, ClinGen allele CA486657900.
Genomic context (GRCh38, chr14:53,152,718, plus strand): 5'-CCGGGTACGTTTCCTTTCCCCGGGGGACCCTCCTGTCGCGCCGCCGCCCCCCGAGTTCGT[C>T]GGGACCAGCGGAGGCTGCTGCGGCGGGTGCAGCGACAAGGAGCTGCCGCCGCCGCCGCTC-3'
Protein context (NP_001153620.1, residues 117-137): LHPPQQPPLV[Pro127=]TNSGGGGATG